The following is an entry in ClinVar:

NM_007294.4(BRCA1):c.1019T>C (p.Val340Ala)

Gene: BRCA1 (BRCA1 DNA repair associated; minus strand). Cytogenetic location: 17q21.31.
Variant type: single nucleotide variant.
Coding change: c.1019T>C on transcript NM_007294.4 (MANE Select); coding-DNA position 1019, T replaced by C.
Protein change: p.Val340Ala; replaces valine 340 with alanine.
Molecular consequence: missense variant. On other transcripts: intron variant (137).
Genome position (GRCh38, 1-based): chr17:43,094,512, A>G on the plus strand (T>C on the coding strand, the complement: BRCA1 is on the minus strand). VCF-style: chr17-43094512-A-G. GRCh37 (hg19) VCF-style: chr17-41246529-A-G.
Other names: c.1016T>C, p.Val339Ala (NM_001407611.1, NM_001407612.1, NM_001407613.1 and 22 more transcripts); c.1019T>C, p.Val340Ala (NM_001407616.1, NM_001407617.1, NM_001407618.1 and 30 more transcripts); c.941T>C, p.Val314Ala (NM_001407655.1, NM_001407656.1, NM_001407657.1 and 4 more transcripts); c.938T>C, p.Val313Ala (NM_001407659.1, NM_001407660.1, NM_001407661.1 and 1 more transcripts); c.893T>C, p.Val298Ala (NM_001407671.1, NM_001407672.1, NM_001407673.1 and 11 more transcripts); c.896T>C, p.Val299Ala (NM_001407674.1, NM_001407675.1, NM_001407676.1 and 19 more transcripts); c.875T>C, p.Val292Ala (NM_001407846.1, NM_001407847.1, NM_001407848.1 and 20 more transcripts); c.818T>C, p.Val273Ala (NM_001407862.1); and 40 more; short protein forms V172A, V229A, V251A, V252A, V270A, V273A, V298A, V212A.
Identifiers: ClinVar variation 2091299 (VCV002091299.7), dbSNP rs1597878539, ClinGen allele CA10600020.
Genomic context (GRCh38, chr17:43,094,512, plus strand): 5'-CATGGCAGTTTCTGCTTATTCCATTCTTTTCTCTCACACAGGGGATCAGCATTCAGATCT[A>G]CCTTTTTTTCTGTGCTGGGAGTCCGCCTATCATTACATGTTTCCTTACTTCCAGCCCATC-3'
Protein context (NP_009225.1, residues 330-350): DRRTPSTEKK[Val340Ala]DLNADPLCER

ClinVar aggregate classification (germline): Conflicting classifications of pathogenicity. Review status: criteria provided, conflicting classifications (1 of 4 stars). 3 submissions from 3 submitters: Uncertain significance (2); Likely benign (1). Last evaluated 2023-03-23.

Conditions:
Breast-ovarian cancer, familial, susceptibility to, 1 (BROVCA1). Also called: BRCA1 Hereditary Breast and Ovarian Cancer; OVARIAN CANCER, SUSCEPTIBILITY TO. Identifiers: Orphanet 145, MedGen C2676676, MONDO:0011450, OMIM 604370. Disease mechanism: loss of function.
Hereditary breast ovarian cancer syndrome. Also called: Hereditary breast and ovarian cancer syndrome (HBOC); Breast and ovarian cancer; Hereditary breast and/or ovarian cancer syndrome; BRCA1- and BRCA2-Associated Hereditary Breast and Ovarian Cancer; Hereditary breast and ovarian cancer; Hereditary breast and ovarian cancer syndrome. Identifiers: Orphanet 145, MedGen C0677776, MeSH D061325, MONDO:0003582. Disease mechanism: loss of function.
Hereditary cancer-predisposing syndrome. Also called: Tumor predisposition; Neoplastic Syndromes, Hereditary; Hereditary Cancer Syndrome; Hereditary neoplastic syndrome. Identifiers: Orphanet 140162, MedGen C0027672, MeSH D009386, MONDO:0015356.

Submissions (3):

University of Washington Department of Laboratory Medicine, University of Washington
Classification: Likely benign for Hereditary cancer-predisposing syndrome. Last evaluated: 2023-03-23. Review status: criteria provided, single submitter. Criteria: Dines et al. (Genet Med. 2020). Collection method: curation. Allele origin: germline.
Comment: Missense variant in a coldspot region where missense variants are very unlikely to be pathogenic (PMID:31911673).

BRCA1 coldspot (exon 11 using historical exon numbering). Reclassification based on statistical prior probability

All of Us Research Program, National Institutes of Health
Classification: Uncertain significance for Breast-ovarian cancer, familial, susceptibility to, 1. Last evaluated: 2023-03-04. Review status: criteria provided, single submitter. Criteria: ACMG Guidelines, 2015. Collection method: clinical testing. Allele origin: germline. Inheritance: Autosomal dominant inheritance. Observed: 1 variant allele, 1 heterozygote.
Comment: This study involves interpretation of variants in research participants for the purpose of population health screening. Participant phenotype was not available at the time of variant classification. Additional details can be found in publication PMID: 35346344, PMCID: PMC8962531

Labcorp Genetics (formerly Invitae), Labcorp
Classification: Uncertain significance for Hereditary breast ovarian cancer syndrome. Last evaluated: 2022-08-16. Review status: criteria provided, single submitter. Criteria: Invitae Variant Classification Sherloc (09022015). Collection method: clinical testing. Allele origin: germline.
Comment: This sequence change replaces valine, which is neutral and non-polar, with alanine, which is neutral and non-polar, at codon 340 of the BRCA1 protein (p.Val340Ala). In summary, the available evidence is currently insufficient to determine the role of this variant in disease. Therefore, it has been classified as a Variant of Uncertain Significance. Advanced modeling of protein sequence and biophysical properties (such as structural, functional, and spatial information, amino acid conservation, physicochemical variation, residue mobility, and thermodynamic stability) performed at Invitae indicates that this missense variant is not expected to disrupt BRCA1 protein function. This variant has not been reported in the literature in individuals affected with BRCA1-related conditions. This variant is not present in population databases (gnomAD no frequency).